The following is an entry in ClinVar:

ClinVar aggregate classification (germline): Benign (3 of 4 stars; one submission).

Conditions:
Breast-ovarian cancer, familial, susceptibility to, 2 (BROVCA2). Also called: BRCA2 Hereditary Breast and Ovarian Cancer. Identifiers: Orphanet 145, MedGen C2675520, MONDO:0012933, OMIM 612555. Disease mechanism: loss of function.

Submission:

Evidence-based Network for the Interpretation of Germline Mutant Alleles (ENIGMA)
Classification: Benign for Breast-ovarian cancer, familial 2. Last evaluated: 2015-01-12. Review status: reviewed by expert panel. Criteria: ENIGMA BRCA1/2 Classification Criteria (2015). Collection method: curation. Allele origin: germline.
Comment: Class 1 not pathogenic based on frequency >1% in an outbred sampleset. Frequency 0.06 (African), derived from 1000 genomes (2012-04-30).

NM_000059.4(BRCA2):c.8331+713dup

Gene: BRCA2 (BRCA2 DNA repair associated; plus strand). Cytogenetic location: 13q13.1.
Variant type: Duplication.
Coding change: c.8331+713dup on transcript NM_000059.4 (MANE Select); 713 bases into the intron after coding-DNA position 8331, one base duplicated (T; older notation c.8331+713dupT).
Molecular consequence: intron variant.
Genome position (GRCh38, 1-based): chr13:32,364,246, T duplicated; the last of 9 consecutive T bases (chr13:32,364,238-32,364,246); duplicating any one gives the same sequence. VCF-style (leftmost placement, unchanged base first): chr13-32364237-G-GT. GRCh37 (hg19) VCF-style: chr13-32938374-G-GT.
Other names: IVS 18+704insT; c.8331+704_8331+705insT (NM_000059.3).
Identifiers: ClinVar variation 209780 (VCV000209780.1), dbSNP rs201664419, ClinGen allele CA276748.
Genomic context (GRCh38, chr13:32,364,237, plus strand): 5'-TCTTTTGTTTTATGTTGCTTAGAACATCAAGCTTGCAGTGGCTTTCATTTTCTTGTTTTT[G>GT]TTTTTTTTTAAATCAAATCAATGCATGTGCATAATTTGGAAACTCAAGTAATATAAGACA-3'